The following is an entry in ClinVar:

NM_001018005.2(TPM1):c.134C>A (p.Ser45Ter)

Gene: TPM1 (tropomyosin 1; plus strand). Cytogenetic location: 15q22.2.
Variant type: single nucleotide variant.
Coding change: c.134C>A on transcript NM_001018005.2 (MANE Select); coding-DNA position 134, C replaced by A.
Protein change: p.Ser45Ter; replaces serine 45 with a stop codon.
Molecular consequence: nonsense. On other transcripts: intron variant (3).
Genome position (GRCh38, 1-based): chr15:63,044,046, C>A. VCF-style: chr15-63044046-C-A. GRCh37 (hg19) VCF-style: chr15-63336245-C-A.
Other names: c.134C>A, p.Ser45Ter (NM_001365777.1, NM_001365779.1, NM_000366.6 and 3 more transcripts); c.260C>A, p.Ser87Ter (NM_001365778.1); c.240+215C>A (NM_001018020.2, NM_001018007.2, NM_001301244.2); short protein forms S45*, S87*.
Identifiers: ClinVar variation 1302996 (VCV001302996.3), dbSNP rs2140627688, ClinGen allele CA392718518.
Genomic context (GRCh38, chr15:63,044,046, plus strand): 5'-TGCACCCCCCTCCCTCCCTGTACCCCCTGGCCAACTCCCAGCTGGAAGATGAGCTGGTGT[C>A]ACTGCAAAAGAAACTCAAGGGCACCGAAGATGAACTGGACAAATACTCTGAGGCTCTCAA-3'

ClinVar aggregate classification (germline): Uncertain significance (1 of 4 stars; one submission).

Submission:

GeneDx
Classification: Uncertain significance. Last evaluated: 2025-12-21. Review status: criteria provided, single submitter. Criteria: GeneDx Variant Classification Process June 2021. Collection method: clinical testing. Allele origin: germline. Affected: yes.
Comment: Not observed in large population cohorts (gnomAD); Nonsense variant predicted to result in protein truncation or nonsense mediated decay in a gene or region of a gene for which loss of function is not a well-established mechanism of disease; Has not been previously published as pathogenic or benign to our knowledge